The following is an entry in ClinVar:

ClinVar aggregate classification (germline): Uncertain significance. Review status: criteria provided, multiple submitters, no conflicts (2 of 4 stars). 2 submissions from 2 submitters: Uncertain significance (2). Last evaluated 2026-01-22.

Allele frequency attached by ClinVar (database versions not stated): gnomAD exomes 0.00012; TOPMed 0.00012; ExAC 0.00010; gnomAD 0.00008.
gnomAD v4.1: 192 of 1,606,678 alleles (0.012%); highest among the groups gnomAD compares: Middle Eastern, 0.066%; no homozygotes.

Submissions (3):

Dasa
Classification: Uncertain significance. Last evaluated: 2026-01-22. Review status: criteria provided, single submitter. Criteria: DASA Assertion Criteria. Collection method: clinical testing. Allele origin: germline.
Comment: NM_001367479.1(DNAH14):c.368-1G>A affects a canonical splice site and is predicted to disrupt normal RNA splicing. This variant has been observed in affected individuals with DNAH14-related disorders. Published studies describe this variant in association with related phenotype (PMID: 35438214). Also, this variant is rare in population databases. The currently available literature and clinical evidence are not sufficient to establish a definitive association between this variant and the reported condition. Therefore, this variant is classified as a variant of uncertain significance.

GeneDx
Classification: Uncertain significance. Last evaluated: 2023-04-10. Review status: criteria provided, single submitter. Criteria: GeneDx Variant Classification Process June 2021. Collection method: clinical testing. Allele origin: germline. Affected: yes.
Comment: Canonical splice site variant in a gene or region of a gene for which loss of function is not a well-established mechanism of disease; Has not been previously published as pathogenic or benign to our knowledge

Dr. Peter K. Rogan Lab, Western University
No classification provided (evidence only). Condition: Uveal melanoma. Review status: no classification provided. Collection method: in vitro. Allele origin: not applicable. Functional consequence: retained intron. Not counted in ClinVar's aggregate classification.

Literature cited by the submitters: PubMed 35438214 (cited by Dasa).

NM_001367479.1(DNAH14):c.368-1G>A

Gene: DNAH14 (dynein axonemal heavy chain 14; plus strand). Cytogenetic location: 1q42.12.
Variant type: single nucleotide variant.
Coding change: c.368-1G>A on transcript NM_001367479.1 (MANE Select); the canonical splice acceptor site of the intron before coding-DNA position 368, G replaced by A.
Molecular consequence: splice acceptor variant.
Genome position (GRCh38, 1-based): chr1:224,964,478, G>A. VCF-style: chr1-224964478-G-A. GRCh37 (hg19) VCF-style: chr1-225152180-G-A.
Other names: NC_000001.10:g.225152180G>A; c.368-1G>A (NM_144989.3, NM_001145154.3, NM_001349911.2 and 1 more transcripts); c.218-1G>A (NM_001349912.2).
Identifiers: ClinVar variation 2497894 (VCV002497894.4), dbSNP rs750506412, ClinGen allele CA1415525.
Genomic context (GRCh38, chr1:224,964,478, plus strand): 5'-TTATCCTTAAGTGATGCCCACATTTGCACTTATACTGGATTTTTAAATTGTTCTATACCA[G>A]AACCAAAAGATGATGATGTGATAAGAAATATTATTAGGCTACGAGAAAAGCTTGGTTGGC-3'